The following is an entry in ClinVar:

ClinVar aggregate classification (germline): Uncertain significance (1 of 4 stars; one submission).

Conditions:
SPECC1L-related disorder. Also called: SPECC1L-related condition.

Submission:

PreventionGenetics, part of Exact Sciences
Classification: Uncertain significance for SPECC1L-related condition. Last evaluated: 2023-02-16. Review status: criteria provided, single submitter. Criteria: ACMG Guidelines, 2015. Collection method: clinical testing. Allele origin: germline.
Comment: The SPECC1L c.1933G>A variant is predicted to result in the amino acid substitution p.Ala645Thr. To our knowledge, this variant has not been reported in the literature or in a large population database, indicating this variant is rare. At this time, the clinical significance of this variant is uncertain due to the absence of conclusive functional and genetic evidence.

NM_015330.6(SPECC1L):c.1933G>A (p.Ala645Thr)

Genes: SPECC1L (sperm antigen with calponin homology and coiled-coil domains 1 like; plus strand), SPECC1L-ADORA2A (SPECC1L-ADORA2A readthrough (NMD candidate); plus strand). Cytogenetic location: 22q11.23.
Variant type: single nucleotide variant.
Coding change: c.1933G>A on transcript NM_015330.6 (MANE Select); coding-DNA position 1933, G replaced by A.
Protein change: p.Ala645Thr; replaces alanine 645 with threonine.
Molecular consequence: missense variant. On other transcripts: non-coding transcript variant (1).
Genome position (GRCh38, 1-based): chr22:24,322,913, G>A. VCF-style: chr22-24322913-G-A. GRCh37 (hg19) VCF-style: chr22-24718881-G-A.
Other names: c.1933G>A, p.Ala645Thr (NM_001145468.4, NM_001254732.3); short protein forms A645T.
Identifiers: ClinVar variation 2630654 (VCV002630654.1), dbSNP rs2517654341, ClinGen allele CA410972574.